The following is an entry in ClinVar:

ClinVar aggregate classification (germline): Uncertain significance (1 of 4 stars; one submission).

Submission:

Ambry Genetics
Classification: Uncertain significance. Last evaluated: 2025-02-08. Review status: criteria provided, single submitter. Criteria: Ambry Variant Classification Scheme 2023. Collection method: clinical testing. Allele origin: germline.
Comment: The p.G288A variant (also known as c.863G>C), located in coding exon 8 of the RAD51B gene, results from a G to C substitution at nucleotide position 863. The glycine at codon 288 is replaced by alanine, an amino acid with similar properties. This amino acid position is conserved. In addition, this alteration is predicted to be tolerated by in silico analysis. Based on the available evidence, the clinical significance of this variant remains unclear.

NM_133510.4(RAD51B):c.863G>C (p.Gly288Ala)

Gene: RAD51B (RAD51 paralog B; plus strand). Cytogenetic location: 14q24.1.
Variant type: single nucleotide variant.
Coding change: c.863G>C on transcript NM_133510.4 (MANE Select); coding-DNA position 863, G replaced by C.
Protein change: p.Gly288Ala; replaces glycine 288 with alanine.
Molecular consequence: missense variant.
Genome position (GRCh38, 1-based): chr14:68,411,433, G>C. VCF-style: chr14-68411433-G-C. GRCh37 (hg19) VCF-style: chr14-68878150-G-C.
Other names: c.863G>C, p.Gly288Ala (NM_001321809.2, NM_001321810.2, NM_001321812.1 and 6 more transcripts); c.749G>C, p.Gly250Ala (NM_001321815.1); c.506G>C, p.Gly169Ala (NM_001321817.2); short protein forms G250A, G169A, G288A.
Identifiers: ClinVar variation 3786450 (VCV003786450.1).